The following is an entry in ClinVar:

ClinVar aggregate classification (germline): Uncertain significance (1 of 4 stars; one submission).

Submission:

Labcorp Genetics (formerly Invitae), Labcorp
Classification: Uncertain significance. Last evaluated: 2022-06-20. Review status: criteria provided, single submitter. Criteria: Invitae Variant Classification Sherloc (09022015). Collection method: clinical testing. Allele origin: germline.
Comment: In summary, the available evidence is currently insufficient to determine the role of this variant in disease. Therefore, it has been classified as a Variant of Uncertain Significance. Experimental studies and prediction algorithms are not available or were not evaluated, and the functional significance of this variant is currently unknown. This variant has not been reported in the literature in individuals affected with LTBP4-related conditions. This variant is present in population databases (rs767414919, gnomAD 0.02%). This variant, c.2900_2902dup, results in the insertion of one amino acid(s) to the LTBP4 protein (p.Asp968dup), but otherwise preserves the integrity of the reading frame.

NM_001042545.2(LTBP4):c.2810_2812dup (p.Asp938dup)

Gene: LTBP4 (latent transforming growth factor beta binding protein 4; plus strand). Cytogenetic location: 19q13.2.
Variant type: Duplication.
Coding change: c.2810_2812dup on transcript NM_001042545.2 (MANE Select); coding-DNA positions 2810 to 2812, 3 bases duplicated (ACG; older notation c.2810_2812dupACG).
Protein change: p.Asp938dup; duplicates aspartic acid 938.
Molecular consequence: inframe insertion.
Genome position (GRCh38, 1-based): chr19:40,614,444-40,614,446, ACG duplicated; duplicating any 3 consecutive bases within chr19:40,614,443-40,614,446 gives the same sequence; the c. name uses the placement nearest the transcript's 3' end. VCF-style (leftmost placement, unchanged base first): chr19-40614442-T-TGAC. GRCh37 (hg19) VCF-style: chr19-41120348-T-TGAC.
Other names: c.3011_3013dup, p.Asp1005dup (NM_001042544.1); c.2900_2902dup, p.Asp968dup (NM_003573.2).
Identifiers: ClinVar variation 1420558 (VCV001420558.5), dbSNP rs767414919, ClinGen allele CA9448792.